The following is an entry in ClinVar:

ClinVar aggregate classification (germline): Uncertain significance (1 of 4 stars; one submission).

Allele frequency attached by ClinVar (database versions not stated): gnomAD exomes below 0.00001; TOPMed 0.00001; ExAC 0.00002.

Submission:

Labcorp Genetics (formerly Invitae), Labcorp
Classification: Uncertain significance. Last evaluated: 2022-05-20. Review status: criteria provided, single submitter. Criteria: Invitae Variant Classification Sherloc (09022015). Collection method: clinical testing. Allele origin: germline.
Comment: This variant is present in population databases (rs778732665, gnomAD 0.009%). In summary, the available evidence is currently insufficient to determine the role of this variant in disease. Therefore, it has been classified as a Variant of Uncertain Significance. Algorithms developed to predict the effect of missense changes on protein structure and function are either unavailable or do not agree on the potential impact of this missense change (SIFT: "Deleterious"; PolyPhen-2: "Probably Damaging"; Align-GVGD: "Class C0"). This variant has not been reported in the literature in individuals affected with C6-related conditions. This sequence change replaces glycine, which is neutral and non-polar, with glutamic acid, which is acidic and polar, at codon 206 of the C6 protein (p.Gly206Glu).

NM_000065.5(C6):c.617G>A (p.Gly206Glu)

Gene: C6 (complement C6; minus strand). Cytogenetic location: 5p13.1.
Variant type: single nucleotide variant.
Coding change: c.617G>A on transcript NM_000065.5 (MANE Select); coding-DNA position 617, G replaced by A.
Protein change: p.Gly206Glu; replaces glycine 206 with glutamic acid.
Molecular consequence: missense variant.
Genome position (GRCh38, 1-based): chr5:41,186,179, C>T on the plus strand (G>A on the coding strand, the complement: C6 is on the minus strand). VCF-style: chr5-41186179-C-T. GRCh37 (hg19) VCF-style: chr5-41186281-C-T.
Other names: c.617G>A, p.Gly206Glu (NM_001115131.4); short protein forms G206E.
Identifiers: ClinVar variation 1911523 (VCV001911523.3), dbSNP rs778732665, ClinGen allele CA3252719.